The following is an entry in ClinVar:

NM_153704.6(TMEM67):c.2135C>T (p.Ser712Leu)

Gene: TMEM67 (transmembrane protein 67; plus strand). Cytogenetic location: 8q22.1.
Variant type: single nucleotide variant.
Coding change: c.2135C>T on transcript NM_153704.6 (MANE Select); coding-DNA position 2135, C replaced by T.
Protein change: p.Ser712Leu; replaces serine 712 with leucine.
Molecular consequence: missense variant. On other transcripts: non-coding transcript variant (1).
Genome position (GRCh38, 1-based): chr8:93,799,652, C>T. VCF-style: chr8-93799652-C-T. GRCh37 (hg19) VCF-style: chr8-94811880-C-T.
Other names: c.1892C>T, p.Ser631Leu (NM_001142301.1); short protein forms S712L, S631L.
Identifiers: ClinVar variation 2005177 (VCV002005177.4), dbSNP rs1814779163, ClinGen allele CA371695286.

ClinVar aggregate classification (germline): Uncertain significance (1 of 4 stars; one submission).

Conditions:
Joubert syndrome. Also called: CEREBELLOPARENCHYMAL DISORDER IV; JOUBERT-BOLTSHAUSER SYNDROME; Familial aplasia of the vermis. Identifiers: Orphanet 475, MedGen C5979921, MONDO:0018772.
Meckel-Gruber syndrome. Also called: DYSENCEPHALIA SPLANCHNOCYSTICA; GRUBER SYNDROME; Dysencephalia splachnocystica. Identifiers: Orphanet 564, MedGen C0265215, MONDO:0018921.

Allele frequency attached by ClinVar (database versions not stated): TOPMed below 0.00001.
gnomAD v4.1: 1 of 1,613,858 alleles (0.000062%); highest among the groups gnomAD compares: African/African-American, 0.0013%; no homozygotes.

Submission:

Labcorp Genetics (formerly Invitae), Labcorp
Classification: Uncertain significance for Joubert syndrome; Meckel-Gruber syndrome. Last evaluated: 2022-06-23. Review status: criteria provided, single submitter. Criteria: Invitae Variant Classification Sherloc (09022015). Collection method: clinical testing. Allele origin: germline.
Comment: This variant has not been reported in the literature in individuals affected with TMEM67-related conditions. This variant is not present in population databases (gnomAD no frequency). This sequence change replaces serine, which is neutral and polar, with leucine, which is neutral and non-polar, at codon 712 of the TMEM67 protein (p.Ser712Leu). In summary, the available evidence is currently insufficient to determine the role of this variant in disease. Therefore, it has been classified as a Variant of Uncertain Significance. Advanced modeling of protein sequence and biophysical properties (such as structural, functional, and spatial information, amino acid conservation, physicochemical variation, residue mobility, and thermodynamic stability) performed at Invitae indicates that this missense variant is not expected to disrupt TMEM67 protein function.